The following is an entry in ClinVar:

ClinVar aggregate classification (germline): Uncertain significance. Review status: criteria provided, multiple submitters, no conflicts (2 of 4 stars). 2 submissions from 2 submitters: Uncertain significance (2). Last evaluated 2025-04-15.

Conditions:
Inborn genetic diseases. Identifiers: MedGen C0950123, MeSH D030342.
Autosomal recessive limb-girdle muscular dystrophy type R18 (LGMDR18). Also called: Limb-girdle muscular dystrophy, type 2S; MUSCULAR DYSTROPHY, LIMB-GIRDLE, AUTOSOMAL RECESSIVE 18; Autosomal recessive limb-girdle muscular dystrophy type 2S. Identifiers: Orphanet 369840, MedGen C4517996, MONDO:0014144, OMIM 615356.

gnomAD v4.1: 36 of 1,612,818 alleles (0.0022%); highest among the groups gnomAD compares: East Asian, 0.06%; no homozygotes.

Submissions (2):

Ambry Genetics
Classification: Uncertain significance for Inborn genetic diseases. Last evaluated: 2025-04-15. Review status: criteria provided, single submitter. Criteria: Ambry Variant Classification Scheme 2023. Collection method: clinical testing. Allele origin: germline.

Labcorp Genetics (formerly Invitae), Labcorp
Classification: Uncertain significance for Autosomal recessive limb-girdle muscular dystrophy type R18. Last evaluated: 2022-07-19. Review status: criteria provided, single submitter. Criteria: Invitae Variant Classification Sherloc (09022015). Collection method: clinical testing. Allele origin: germline.
Comment: This sequence change replaces asparagine, which is neutral and polar, with aspartic acid, which is acidic and polar, at codon 693 of the TRAPPC11 protein (p.Asn693Asp). This variant is present in population databases (rs374682349, gnomAD 0.06%). This variant has not been reported in the literature in individuals affected with TRAPPC11-related conditions. Algorithms developed to predict the effect of missense changes on protein structure and function (SIFT, PolyPhen-2, Align-GVGD) all suggest that this variant is likely to be tolerated. In summary, the available evidence is currently insufficient to determine the role of this variant in disease. Therefore, it has been classified as a Variant of Uncertain Significance.

NM_021942.6(TRAPPC11):c.2077A>G (p.Asn693Asp)

Gene: TRAPPC11 (trafficking protein particle complex subunit 11; plus strand). Cytogenetic location: 4q35.1.
Variant type: single nucleotide variant.
Coding change: c.2077A>G on transcript NM_021942.6 (MANE Select); coding-DNA position 2077, A replaced by G.
Protein change: p.Asn693Asp; replaces asparagine 693 with aspartic acid.
Molecular consequence: missense variant.
Genome position (GRCh38, 1-based): chr4:183,692,987, A>G. VCF-style: chr4-183692987-A-G. GRCh37 (hg19) VCF-style: chr4-184614140-A-G.
Other names: c.2077A>G, p.Asn693Asp (NM_199053.3); c.2077A>G (NM_021942.4); short protein forms N693D.
Identifiers: ClinVar variation 2066527 (VCV002066527.2), dbSNP rs374682349, ClinGen allele CA3152101.